The following is an entry in ClinVar:

ClinVar aggregate classification (germline): Pathogenic (1 of 4 stars; one submission).

Conditions:
Charcot-Marie-Tooth disease type 4. Also called: Charcot-Marie-Tooth disease, type IV; Charcot-Marie-Tooth, Type 4. Identifiers: Orphanet 64749, MedGen C4082197, MONDO:0018995.

Submission:

Labcorp Genetics (formerly Invitae), Labcorp
Classification: Pathogenic for Charcot-Marie-Tooth disease type 4. Last evaluated: 2022-12-01. Review status: criteria provided, single submitter. Criteria: Invitae Variant Classification Sherloc (09022015). Collection method: clinical testing. Allele origin: germline.
Comment: This variant is not present in population databases (gnomAD no frequency). This sequence change creates a premature translational stop signal (p.Glu553Aspfs*31) in the PRX gene. While this is not anticipated to result in nonsense mediated decay, it is expected to disrupt the last 909 amino acid(s) of the PRX protein. ClinVar contains an entry for this variant (Variation ID: 952908). This variant has not been reported in the literature in individuals affected with PRX-related conditions. This variant disrupts a region of the PRX protein in which other variant(s) (p.Arg1070*) have been determined to be pathogenic (PMID: 16770524, 22847150, 26059842). This suggests that this is a clinically significant region of the protein, and that variants that disrupt it are likely to be disease-causing. For these reasons, this variant has been classified as Pathogenic.

Literature cited by the submitters: PubMed 16770524; PubMed 22847150; PubMed 26059842.

NM_181882.3(PRX):c.1659_1660del (p.Glu553fs)

Gene: PRX (periaxin; minus strand). Cytogenetic location: 19q13.2.
Variant type: Microsatellite.
Coding change: c.1659_1660del on transcript NM_181882.3 (MANE Select); coding-DNA positions 1659 to 1660, 2 bases deleted (GA; older notation c.1659_1660delGA).
Protein change: p.Glu553fs; shifts the reading frame from glutamic acid 553.
Molecular consequence: frameshift variant. On other transcripts: 3 prime UTR variant (1).
Genome position (GRCh38, 1-based): chr19:40,396,692-40,396,693, TC deleted on the plus strand (GA on the coding strand, the reverse complement: PRX is on the minus strand); deleting any 2 consecutive bases within chr19:40,396,692-40,396,696 gives the same sequence; the c. name uses the placement nearest the transcript's 3' end. VCF-style (leftmost placement, unchanged base first): chr19-40396691-ATC-A. GRCh37 (hg19) VCF-style: chr19-40902598-ATC-A.
Other names: c.*1862GA[1] (NM_020956.2); short protein forms E553fs.
Identifiers: ClinVar variation 952908 (VCV000952908.9), dbSNP rs2079441396, ClinGen allele CA2335961786.